The following is an entry in ClinVar:

ClinVar aggregate classification (germline): Benign/Likely benign. Review status: criteria provided, multiple submitters, no conflicts (2 of 4 stars). 6 submissions from 6 submitters: Benign (2); Likely benign (4). Last evaluated 2025-12-03.

Conditions:
Classic or attenuated familial adenomatous polyposis. Identifiers: MedGen CN372698, MONDO:0021057.
Hereditary cancer-predisposing syndrome. Also called: Hereditary neoplastic syndrome; Tumor predisposition; Hereditary Cancer Syndrome; Neoplastic Syndromes, Hereditary. Identifiers: Orphanet 140162, MedGen C0027672, MeSH D009386, MONDO:0015356.
Familial adenomatous polyposis 1 (FAP1). Also called: FAMILIAL ADENOMATOUS POLYPOSIS 1, ATTENUATED; POLYPOSIS, ADENOMATOUS INTESTINAL. Identifiers: MedGen C2713442, MONDO:0021056, OMIM 175100. Disease mechanism: loss of function.

Allele frequency attached by ClinVar (database versions not stated): gnomAD exomes below 0.00001; ExAC 0.00001; gnomAD 0.00001; TOPMed 0.00002.

Submissions (6):

Labcorp Genetics (formerly Invitae), Labcorp
Classification: Benign for Familial adenomatous polyposis 1. Last evaluated: 2025-12-03. Review status: criteria provided, single submitter. Criteria: Invitae Variant Classification Sherloc (09022015). Collection method: clinical testing. Allele origin: germline.

Myriad Genetics, Inc.
Classification: Benign for Familial adenomatous polyposis 1. Last evaluated: 2024-03-25. Review status: criteria provided, single submitter. Criteria: Myriad Autosomal Dominant, Autosomal Recessive and X-Linked Classification Criteria (2023). Collection method: clinical testing. Allele origin: unknown.
Comment: This variant is considered benign. This variant is a silent/synonymous amino acid change and it is not expected to impact splicing.

All of Us Research Program, National Institutes of Health
Classification: Likely benign for Classic or attenuated familial adenomatous polyposis. Last evaluated: 2023-04-15. Review status: criteria provided, single submitter. Criteria: ACMG Guidelines, 2015. Collection method: clinical testing. Allele origin: germline. Inheritance: Autosomal dominant inheritance. Observed: 2 variant alleles, 2 heterozygotes.
Comment: This study involves interpretation of variants in research participants for the purpose of population health screening. Participant phenotype was not available at the time of variant classification. Additional details can be found in publication PMID: 35346344, PMCID: PMC8962531

Ambry Genetics
Classification: Likely benign for Hereditary cancer-predisposing syndrome. Last evaluated: 2018-12-29. Review status: criteria provided, single submitter. Criteria: Ambry Variant Classification Scheme 2023. Collection method: clinical testing. Allele origin: germline.

GeneDx
Classification: Likely benign. Last evaluated: 2018-08-02. Review status: criteria provided, single submitter. Criteria: GeneDx Variant Classification Process June 2021. Collection method: clinical testing. Allele origin: germline. Affected: yes.

Color Diagnostics, LLC DBA Color Health
Classification: Likely benign for Hereditary cancer-predisposing syndrome. Last evaluated: 2016-06-27. Review status: criteria provided, single submitter. Criteria: ACMG Guidelines, 2015. Collection method: clinical testing. Allele origin: germline.

NM_000038.6(APC):c.4134G>A (p.Gln1378=)

Gene: APC (APC regulator of Wnt signaling pathway; plus strand). Cytogenetic location: 5q22.2.
Variant type: single nucleotide variant.
Coding change: c.4134G>A on transcript NM_000038.6 (MANE Select); coding-DNA position 4134, G replaced by A.
Protein change: p.Gln1378=; no amino-acid change (glutamine 1378 retained).
Molecular consequence: synonymous variant.
Genome position (GRCh38, 1-based): chr5:112,839,728, G>A. VCF-style: chr5-112839728-G-A. GRCh37 (hg19) VCF-style: chr5-112175425-G-A.
Other names: c.4134G>A, p.Gln1378= (NM_001127510.3, NM_001354895.2); c.4080G>A, p.Gln1360= (NM_001127511.3); c.4188G>A, p.Gln1396= (NM_001354896.2); c.4164G>A, p.Gln1388= (NM_001354897.2); c.4059G>A, p.Gln1353= (NM_001354898.2); c.4050G>A, p.Gln1350= (NM_001354899.2); c.4011G>A, p.Gln1337= (NM_001354900.2); c.3957G>A, p.Gln1319= (NM_001354901.2); and 5 more.
Identifiers: ClinVar variation 219933 (VCV000219933.60), dbSNP rs780368623, ClinGen allele CA037706.